The following is an entry in ClinVar:

ClinVar aggregate classification (germline): Uncertain significance (1 of 4 stars; one submission).

Conditions:
Benign neonatal seizures. Also called: Benign neonatal familial convulsions; Convulsions benign familial neonatal dominant form; Autosomal dominant form of benign neonatal seizures; Benign familial neonatal epilepsy; Benign familial neonatal seizures. Identifiers: Orphanet 1949, MedGen C0220669, MONDO:0016027.

gnomAD v4.1: 1 of 1,614,136 alleles (0.000062%); highest among the groups gnomAD compares: South Asian, 0.0011%; no homozygotes.

Submission:

Labcorp Genetics (formerly Invitae), Labcorp
Classification: Uncertain significance for Benign neonatal seizures. Last evaluated: 2020-03-17. Review status: criteria provided, single submitter. Criteria: Invitae Variant Classification Sherloc (09022015). Collection method: clinical testing. Allele origin: germline.
Comment: This sequence change affects codon 429 of the KCNQ3 mRNA. It is a 'silent' change, meaning that it does not change the encoded amino acid sequence of the KCNQ3 protein. This variant is not present in population databases (ExAC no frequency). This variant has not been reported in the literature in individuals with KCNQ3-related conditions. Algorithms developed to predict the effect of sequence changes on RNA splicing suggest that this variant may create or strengthen a splice site, but this prediction has not been confirmed by published transcriptional studies. In summary, the available evidence is currently insufficient to determine the role of this variant in disease. Therefore, it has been classified as a Variant of Uncertain Significance.

NM_004519.4(KCNQ3):c.1285C>A (p.Arg429=)

Gene: KCNQ3 (potassium voltage-gated channel subfamily Q member 3; minus strand). Cytogenetic location: 8q24.22.
Variant type: single nucleotide variant.
Coding change: c.1285C>A on transcript NM_004519.4 (MANE Select); coding-DNA position 1285, C replaced by A.
Protein change: p.Arg429=; no amino-acid change (arginine 429 retained).
Molecular consequence: synonymous variant.
Genome position (GRCh38, 1-based): chr8:132,141,309, G>T on the plus strand (C>A on the coding strand, the complement: KCNQ3 is on the minus strand). VCF-style: chr8-132141309-G-T. GRCh37 (hg19) VCF-style: chr8-133153556-G-T.
Other names: c.925C>A, p.Arg309= (NM_001204824.2).
Identifiers: ClinVar variation 940775 (VCV000940775.9), dbSNP rs1825289232, ClinGen allele CA463004829.
Genomic context (GRCh38, chr8:132,141,309, plus strand): 5'-TCAGAGGGGTAAATAGCTTTCCTTTAGTATTGCTACCACGAGGATTAGAAAGGCGAACCC[G>T]ATCCAAGAGACCCAGCTTTTGGCTACAAAATAAGCAAAAGTGAACAATTTTCCTCCTTCA-3'
Protein context (NP_004510.1, residues 419-439): ASSQKLGLLD[Arg429=]VRLSNPRGSN